The following is an entry in ClinVar:

NM_001032386.2(SUOX):c.412G>T (p.Ala138Ser)

Gene: SUOX (sulfite oxidase; plus strand). Cytogenetic location: 12q13.2.
Variant type: single nucleotide variant.
Coding change: c.412G>T on transcript NM_001032386.2 (MANE Select); coding-DNA position 412, G replaced by T.
Protein change: p.Ala138Ser; replaces alanine 138 with serine.
Molecular consequence: missense variant.
Genome position (GRCh38, 1-based): chr12:56,003,801, G>T. VCF-style: chr12-56003801-G-T. GRCh37 (hg19) VCF-style: chr12-56397585-G-T.
Other names: c.412G>T, p.Ala138Ser (NM_000456.3, NM_001032387.2); short protein forms A138S.
Identifiers: ClinVar variation 3663410 (VCV003663410.2).

ClinVar aggregate classification (germline): Uncertain significance (1 of 4 stars; one submission).

Conditions:
Sulfite oxidase deficiency. Also called: Isolated sulfite oxidase deficiency. Identifiers: Orphanet 833, Orphanet 99731, MedGen C0268624, MONDO:0010089, OMIM 272300, HP:0003643.

Submission:

Labcorp Genetics (formerly Invitae), Labcorp
Classification: Uncertain significance for Sulfite oxidase deficiency. Last evaluated: 2024-10-10. Review status: criteria provided, single submitter. Criteria: Invitae Variant Classification Sherloc (09022015). Collection method: clinical testing. Allele origin: germline.
Comment: This sequence change replaces alanine, which is neutral and non-polar, with serine, which is neutral and polar, at codon 138 of the SUOX protein (p.Ala138Ser). This variant is not present in population databases (gnomAD no frequency). This variant has not been reported in the literature in individuals affected with SUOX-related conditions. Invitae Evidence Modeling of protein sequence and biophysical properties (such as structural, functional, and spatial information, amino acid conservation, physicochemical variation, residue mobility, and thermodynamic stability) indicates that this missense variant is not expected to disrupt SUOX protein function with a negative predictive value of 95%. In summary, the available evidence is currently insufficient to determine the role of this variant in disease. Therefore, it has been classified as a Variant of Uncertain Significance.